The following is an entry in ClinVar:

NM_000419.5(ITGA2B):c.1919_1920del (p.Val640fs)

Gene: ITGA2B (integrin subunit alpha 2b; minus strand). Cytogenetic location: 17q21.31.
Variant type: Microsatellite.
Coding change: c.1919_1920del on transcript NM_000419.5 (MANE Select); coding-DNA positions 1919 to 1920, 2 bases deleted (TG; older notation c.1919_1920delTG).
Protein change: p.Val640fs; shifts the reading frame from valine 640.
Molecular consequence: frameshift variant.
Genome position (GRCh38, 1-based): chr17:44,378,669-44,378,670, CA deleted on the plus strand (TG on the coding strand, the reverse complement: ITGA2B is on the minus strand); deleting any 2 consecutive bases within chr17:44,378,669-44,378,674 gives the same sequence; the c. name uses the placement nearest the transcript's 3' end. VCF-style (leftmost placement, unchanged base first): chr17-44378668-GCA-G. GRCh37 (hg19) VCF-style: chr17-42456036-GCA-G.
Other names: NM_000419.5:c.1919_1920del; short protein forms V640fs.
Identifiers: ClinVar variation 1691469 (VCV001691469.2), dbSNP rs2143452404, ClinGen allele CA915940685.

ClinVar aggregate classification (germline): Pathogenic (3 of 4 stars; one submission).

Conditions:
Glanzmann thrombasthenia. Also called: PLATELET GLYCOPROTEIN IIb-IIIa DEFICIENCY; Glanzmann's thrombasthenia; BLEEDING DISORDER, PLATELET-TYPE, 2; THROMBASTHENIA OF GLANZMANN AND NAEGELI; Thrombasthenia. Identifiers: Orphanet 849, MedGen C0040015, MONDO:0100326.

Submission:

ClinGen Platelet Disorders Variant Curation Expert Panel, ClinGen
Classification: Pathogenic for Glanzmann thrombasthenia. Last evaluated: 2022-05-17. Review status: reviewed by expert panel. Criteria: ClinGen Platelet ACMG Specifications v2-1. Collection method: curation. Allele origin: germline. Inheritance: Autosomal recessive inheritance.
Comment: The NM_000419.5:c.1919_1920del (p.Val640AlafsTer20) variant in ITGA2B exon 19 is a frameshift variant predicted to cause a premature stop codon in biologically-relevant-exon 20/30 and is predicted to lead to nonsense mediated decay in a gene in which loss-of-function is an established disease mechanism (PVS1). This variant has been detected in at least two probands with Glanzmann thrombasthenia. However, it is unclear if the reported probands (GT32 and GT67, PMID: 19691478) were homozygous for this variant or if a second ITGA2B variant was identified in either individual. At least one patient (Patient GT32 in PMID: 19691478) with this variant displayed mucocutaneous bleeding and impaired aggregation with all agonists except ristocetin, which is highly specific for Glanzmann thrombasthenia (PP4_Moderate). This variant is absent from gnomAD v2.1.1 (PM2_Supporting). In summary, this variant meets the criteria to be classified as pathogenic for autosomal recessive Glanzmann Thrombasthenia based on the ACMG/AMP criteria applied, as specified by the ClinGen PD VCEP: PVS1, PM2_Supporting, PP4_Moderate. (VCEP specifications version 2; date of approval 05/17/2022)